The following is an entry in ClinVar:

ClinVar aggregate classification (germline): Uncertain significance (1 of 4 stars; one submission).

Submission:

Ambry Genetics
Classification: Uncertain significance. Last evaluated: 2026-05-14. Review status: criteria provided, single submitter. Criteria: Ambry Variant Classification Scheme 2023. Collection method: clinical testing. Allele origin: germline.
Comment: The p.K731R variant (also known as c.2192A>G), located in coding exon 15 of the RINT1 gene, results from an A to G substitution at nucleotide position 2192. The lysine at codon 731 is replaced by arginine, an amino acid with highly similar properties. This amino acid position is conserved. In addition, the in silico prediction for this alteration is inconclusive. Based on the available evidence, the clinical significance of this variant remains unclear.

NM_021930.6(RINT1):c.2192A>G (p.Lys731Arg)

Genes: EFCAB10 (EF-hand calcium binding domain 10; minus strand), RINT1 (RAD50 interactor 1; plus strand). Cytogenetic location: 7q22.3.
Variant type: single nucleotide variant.
Coding change: c.2192A>G on transcript NM_021930.6 (MANE Select); coding-DNA position 2192, A replaced by G.
Protein change: p.Lys731Arg; replaces lysine 731 with arginine.
Molecular consequence: missense variant. On other transcripts: 3 prime UTR variant (2), non-coding transcript variant (1), intron variant (3).
Genome position (GRCh38, 1-based): chr7:105,567,124, A>G. VCF-style: chr7-105567124-A-G. GRCh37 (hg19) VCF-style: chr7-105207571-A-G.
Other names: c.*330T>C (NM_001355527.2, NM_001355529.2); c.1958A>G, p.Lys653Arg (NM_001346599.2); c.1169A>G, p.Lys390Arg (NM_001346600.2, NM_001346603.2); c.1268A>G, p.Lys423Arg (NM_001346601.2); c.360-1677T>C (NM_001355531.2); c.383+343T>C (NM_001355526.2, NM_001355530.2); short protein forms K390R, K423R, K653R, K731R.
Identifiers: ClinVar variation 4863336 (VCV004863336.1).